The following is an entry in ClinVar:

ClinVar aggregate classification (germline): Pathogenic. Review status: criteria provided, multiple submitters, no conflicts (2 of 4 stars). 2 submissions from 2 submitters: Pathogenic (2). Last evaluated 2025-08-18.

Conditions:
Microcephaly-intellectual disability-sensorineural hearing loss-epilepsy-abnormal muscle tone syndrome (NEDHSB). Also called: NEURODEVELOPMENTAL DISORDER WITH HEARING LOSS, SEIZURES, AND BRAIN ABNORMALITIES. Identifiers: Orphanet 457351, MedGen C4225276, MONDO:0014698, OMIM 616577.

Submissions (2):

Labcorp Genetics (formerly Invitae), Labcorp
Classification: Pathogenic for Microcephaly-intellectual disability-sensorineural hearing loss-epilepsy-abnormal muscle tone syndrome. Last evaluated: 2025-08-18. Review status: criteria provided, single submitter. Criteria: Invitae Variant Classification Sherloc (09022015). Collection method: clinical testing. Allele origin: germline.
Comment: This sequence change creates a premature translational stop signal (p.Pro669Hisfs*8) in the SPATA5 gene. It is expected to result in an absent or disrupted protein product. Loss-of-function variants in SPATA5 are known to be pathogenic (PMID: 26299366). This variant is not present in population databases (gnomAD no frequency). This premature translational stop signal has been observed in individual(s) with SPATA5-related conditions (PMID: 36849973). This variant is also known as c.1999delG, p.G667fs. ClinVar contains an entry for this variant (Variation ID: 1679513). For these reasons, this variant has been classified as Pathogenic.

Bioinformatics Unit, Institut Pasteur de Montevideo
Classification: Pathogenic for Microcephaly-intellectual disability-sensorineural hearing loss-epilepsy-abnormal muscle tone syndrome. Last evaluated: 2022-05-03. Review status: criteria provided, single submitter. Criteria: ACMG Guidelines, 2015. Collection method: clinical testing. Allele origin: germline. Inheritance: Autosomal recessive inheritance. Affected: yes. Observed: 1 compound heterozygote.

Literature cited by the submitters: PubMed 26299366 (cited by Labcorp Genetics (formerly Invitae), Labcorp); PubMed 36849973 (cited by Labcorp Genetics (formerly Invitae), Labcorp).

NM_145207.3(AFG2A):c.2004del (p.Pro669fs)

Gene: AFG2A (AAA ATPase AFG2A; plus strand). Cytogenetic location: 4q28.1.
Variant type: Deletion.
Coding change: c.2004del on transcript NM_145207.3 (MANE Select); coding-DNA position 2004, one base deleted (G; older notation c.2004delG).
Protein change: p.Pro669fs; shifts the reading frame from proline 669.
Molecular consequence: frameshift variant.
Genome position (GRCh38, 1-based): chr4:123,028,320, G deleted; the last of 3 consecutive G bases (chr4:123,028,318-123,028,320); deleting any one gives the same sequence. VCF-style (leftmost placement, unchanged base first): chr4-123028317-TG-T. GRCh37 (hg19) VCF-style: chr4-123949472-TG-T.
Other names: c.2001del, p.Pro668fs (NM_001345856.2, NM_001317799.2); c.1999delG (NM_001317799.2); short protein forms P668fs, P669fs.
Identifiers: ClinVar variation 1679513 (VCV001679513.3), dbSNP rs1729147441, ClinGen allele CA1067512034.